The following is an entry in ClinVar:

NM_001079855.2(GYG2):c.40A>C (p.Asn14His)

Gene: GYG2 (glycogenin 2; plus strand). Cytogenetic location: Xp22.33.
Variant type: single nucleotide variant.
Coding change: c.40A>C on transcript NM_001079855.2 (MANE Select); coding-DNA position 40, A replaced by C.
Protein change: p.Asn14His; replaces asparagine 14 with histidine.
Molecular consequence: missense variant. On other transcripts: intron variant (1).
Genome position (GRCh38, 1-based): chrX:2,843,245, A>C. VCF-style: chrX-2843245-A-C. GRCh37 (hg19) VCF-style: chrX-2761286-A-C.
Other names: c.40A>C, p.Asn14His (NM_001184702.2); c.133A>C, p.Asn45His (NM_001184703.2, NM_003918.3); c.-316-10735A>C (NM_001184704.2); short protein forms N45H, N14H.
Identifiers: ClinVar variation 724621 (VCV000724621.7), dbSNP rs577216902, ClinGen allele CA10336988.

ClinVar aggregate classification (germline): Benign/Likely benign. Review status: criteria provided, multiple submitters, no conflicts (2 of 4 stars). 3 submissions from 3 submitters: Benign (1); Likely benign (1). 1 of the submissions does not count toward it. Last evaluated 2020-09-17.

Conditions:
GYG2-related disorder. Also called: GYG2-related condition.

Allele frequency attached by ClinVar (database versions not stated): gnomAD 0.00002 and 0.00022; TOPMed 0.00007; gnomAD exomes 0.00071; ExAC 0.00083; 1000 Genomes Project 30x 0.00125; 1000 Genomes Project 0.00132.

Submissions (3):

GeneDx
Classification: Benign. Last evaluated: 2020-09-17. Review status: criteria provided, single submitter. Criteria: GeneDx Variant Classification Process June 2021. Collection method: clinical testing. Allele origin: germline. Affected: yes.

Labcorp Genetics (formerly Invitae), Labcorp
Classification: Likely benign. Last evaluated: 2018-02-07. Review status: criteria provided, single submitter. Criteria: Invitae Variant Classification Sherloc (09022015). Collection method: clinical testing. Allele origin: germline.

PreventionGenetics, part of Exact Sciences
Classification: Likely benign for GYG2-related condition. Last evaluated: 2019-04-19. Review status: no assertion criteria provided. Collection method: clinical testing. Allele origin: germline. Not counted in ClinVar's aggregate classification.
Comment: This variant is classified as likely benign based on ACMG/AMP sequence variant interpretation guidelines (Richards et al. 2015 PMID: 25741868, with internal and published modifications).